The following is an entry in ClinVar:

ClinVar aggregate classification (germline): Pathogenic (1 of 4 stars; one submission).

Submission:

Labcorp Genetics (formerly Invitae), Labcorp
Classification: Pathogenic. Last evaluated: 2024-03-17. Review status: criteria provided, single submitter. Criteria: Invitae Variant Classification Sherloc (09022015). Collection method: clinical testing. Allele origin: germline.
Comment: This sequence change creates a premature translational stop signal (p.Ser884Valfs*29) in the AEBP1 gene. It is expected to result in an absent or disrupted protein product. Loss-of-function variants in AEBP1 are known to be pathogenic (PMID: 29606302). This variant is not present in population databases (gnomAD no frequency). This variant has not been reported in the literature in individuals affected with AEBP1-related conditions. Algorithms developed to predict the effect of sequence changes on RNA splicing suggest that this variant may disrupt the consensus splice site. For these reasons, this variant has been classified as Pathogenic.

Literature cited by the submitters: PubMed 29606302.

NM_001129.5(AEBP1):c.2650del (p.Ser884fs)

Gene: AEBP1 (AE binding protein 1; plus strand). Cytogenetic location: 7p13.
Variant type: Deletion.
Coding change: c.2650del on transcript NM_001129.5 (MANE Select); coding-DNA position 2650, one base deleted (A; older notation c.2650delA).
Protein change: p.Ser884fs; shifts the reading frame from serine 884.
Molecular consequence: frameshift variant.
Genome position (GRCh38, 1-based): chr7:44,113,071, A deleted. VCF-style (leftmost placement, unchanged base first): chr7-44113070-GA-G. GRCh37 (hg19) VCF-style: chr7-44152669-GA-G.
Other names: short protein forms S884fs.
Identifiers: ClinVar variation 3643102 (VCV003643102.2).